The following is an entry in ClinVar:

NM_001104631.2(PDE4D):c.1868A>G (p.Asn623Ser)

Gene: PDE4D (phosphodiesterase 4D; minus strand). Cytogenetic location: 5q11.2.
Variant type: single nucleotide variant.
Coding change: c.1868A>G on transcript NM_001104631.2 (MANE Select); coding-DNA position 1868, A replaced by G.
Protein change: p.Asn623Ser; replaces asparagine 623 with serine.
Molecular consequence: missense variant.
Genome position (GRCh38, 1-based): chr5:58,975,802, T>C on the plus strand (A>G on the coding strand, the complement: PDE4D is on the minus strand). VCF-style: chr5-58975802-T-C. GRCh37 (hg19) VCF-style: chr5-58271629-T-C.
Other names: c.1685A>G, p.Asn562Ser (NM_001165899.2, NM_001364599.1); c.1676A>G, p.Asn559Ser (NM_001197218.2); c.1502A>G, p.Asn501Ser (NM_001197219.2); c.1478A>G, p.Asn493Ser (NM_001197220.2); c.962A>G, p.Asn321Ser (NM_001197221.2, NM_001364603.1); c.1196A>G, p.Asn399Ser (NM_001197222.2); c.995A>G, p.Asn332Ser (NM_001197223.2); c.1655A>G, p.Asn552Ser (NM_001349241.2); and 3 more; short protein forms N367S, N399S, N562S, N623S, N493S, N321S, N487S, N559S.
Identifiers: ClinVar variation 2109734 (VCV002109734.4), dbSNP rs1580019966, ClinGen allele CA359814253.

ClinVar aggregate classification (germline): Uncertain significance (1 of 4 stars; one submission).

Submission:

Labcorp Genetics (formerly Invitae), Labcorp
Classification: Uncertain significance. Last evaluated: 2022-10-13. Review status: criteria provided, single submitter. Criteria: Invitae Variant Classification Sherloc (09022015). Collection method: clinical testing. Allele origin: germline.
Comment: In summary, the available evidence is currently insufficient to determine the role of this variant in disease. Therefore, it has been classified as a Variant of Uncertain Significance. Advanced modeling of protein sequence and biophysical properties (such as structural, functional, and spatial information, amino acid conservation, physicochemical variation, residue mobility, and thermodynamic stability) performed at Invitae indicates that this missense variant is expected to disrupt PDE4D protein function. This variant has not been reported in the literature in individuals affected with PDE4D-related conditions. This variant is not present in population databases (gnomAD no frequency). This sequence change replaces asparagine, which is neutral and polar, with serine, which is neutral and polar, at codon 623 of the PDE4D protein (p.Asn623Ser).